The following is an entry in ClinVar:

ClinVar aggregate classification (germline): Likely pathogenic (1 of 4 stars; one submission).

Conditions:
Ehlers-Danlos syndrome, classic type, 1 (EDSCL1). Also called: EHLERS-DANLOS SYNDROME, GRAVIS TYPE; EHLERS-DANLOS SYNDROME, SEVERE CLASSIC TYPE; Ehlers-Danlos syndrome, type 1; Ehlers-Danlos Syndrome, Classic Type, COL5A1-Related; EDS I. Identifiers: MedGen C0268335, MONDO:0019567, OMIM 130000.

Submission:

Labcorp Genetics (formerly Invitae), Labcorp
Classification: Likely pathogenic for Ehlers-Danlos syndrome, classic type, 1. Last evaluated: 2024-12-10. Review status: criteria provided, single submitter. Criteria: Invitae Variant Classification Sherloc (09022015). Collection method: clinical testing. Allele origin: germline.
Comment: This sequence change affects a splice site in intron 4 of the COL5A1 gene. It is expected to disrupt RNA splicing. Variants that disrupt the donor or acceptor splice site typically lead to a loss of protein function (PMID: 16199547), and loss-of-function variants in COL5A1 are known to be pathogenic (PMID: 23587214). This variant is not present in population databases (gnomAD no frequency). Disruption of this splice site has been observed in individual(s) with Ehlers-Danlos syndrome (internal data). Algorithms developed to predict the effect of sequence changes on RNA splicing suggest that this variant may disrupt the consensus splice site. In summary, the currently available evidence indicates that the variant is pathogenic, but additional data are needed to prove that conclusively. Therefore, this variant has been classified as Likely Pathogenic.

Literature cited by the submitters: PubMed 16199547; PubMed 23587214.

NM_000093.5(COL5A1):c.655-2del

Gene: COL5A1 (collagen type V alpha 1 chain; plus strand). Cytogenetic location: 9q34.3.
Variant type: Deletion.
Coding change: c.655-2del on transcript NM_000093.5 (MANE Select); the canonical splice acceptor site of the intron before coding-DNA position 655, one base deleted (A; older notation c.655-2delA).
Molecular consequence: splice acceptor variant.
Genome position (GRCh38, 1-based): chr9:134,727,264, A deleted. VCF-style (leftmost placement, unchanged base first): chr9-134727263-CA-C. GRCh37 (hg19) VCF-style: chr9-137619109-CA-C.
Other names: c.655-2del (NM_001278074.1).
Identifiers: ClinVar variation 3726981 (VCV003726981.2).